The following is an entry in ClinVar:

NM_001130987.2(DYSF):c.1149+1G>C

Gene: DYSF (dysferlin; plus strand). Cytogenetic location: 2p13.2.
Variant type: single nucleotide variant.
Coding change: c.1149+1G>C on transcript NM_001130987.2 (MANE Select); the canonical splice donor site of the intron after coding-DNA position 1149, G replaced by C.
Molecular consequence: splice donor variant.
Genome position (GRCh38, 1-based): chr2:71,520,905, G>C. VCF-style: chr2-71520905-G-C. GRCh37 (hg19) VCF-style: chr2-71748035-G-C.
Other names: c.1146+1G>C (NM_001130979.2, NM_001130981.2, NM_001130980.2); c.1053+1G>C (NM_001130978.2, NM_003494.4, NM_001130977.2 and 1 more transcripts); c.1149+1G>C (NM_001130982.2, NM_001130985.2); c.1056+1G>C (NM_001130983.2, NM_001130455.2, NM_001130984.2 and 1 more transcripts).
Identifiers: ClinVar variation 808764 (VCV000808764.43), dbSNP rs398123763, ClinGen allele CA347212236.
Genomic context (GRCh38, chr2:71,520,905, plus strand): 5'-GGGGCCAGAGGCTACCTGAAAACAAGCCTTTGTGTGCTGGGGCCTGGGGACGAAGCGCCT[G>C]TGAGTACATTTCCCTGGGTCTTCCTTACGGTCCCCCACGCGGCACTTGGTTGCGGAGGCA-3'

ClinVar aggregate classification (germline): Pathogenic. Review status: reviewed by expert panel (3 of 4 stars). 3 submissions from 3 submitters: Pathogenic (1). 2 of the submissions do not count toward it. Last evaluated 2025-04-17.

Conditions:
Miyoshi muscular dystrophy 1 (MMD1). Identifiers: Orphanet 45448, MedGen C4551973, MONDO:0024545, OMIM 254130.
Autosomal recessive limb-girdle muscular dystrophy type 2B (LGMDR2). Also called: MUSCULAR DYSTROPHY, LIMB-GIRDLE, AUTOSOMAL RECESSIVE 2; Limb-Girdle Muscular Dystrophy Type 2B (LGMD2B); Limb-girdle muscular dystrophy, type 2B; MUSCULAR DYSTROPHY, LIMB-GIRDLE, TYPE 3. Identifiers: Orphanet 268, MedGen C1850889, MONDO:0009676, OMIM 253601.
Distal myopathy with anterior tibial onset. Identifiers: Orphanet 178400, MedGen C1847532, MONDO:0011721, OMIM 606768.
Autosomal recessive limb-girdle muscular dystrophy. Identifiers: Orphanet 102015, MedGen C2931907, MONDO:0015152.

Submissions (3):

ClinGen Limb Girdle Muscular Dystrophy Variant Curation Expert Panel, ClinGen
Classification: Pathogenic for Autosomal recessive limb-girdle muscular dystrophy. Last evaluated: 2025-04-17. Review status: reviewed by expert panel. Criteria: ClinGen LGMD VCEP ACMG Specifications DYSF V1.0.0. Collection method: curation. Allele origin: germline. Inheritance: Autosomal recessive inheritance.
Comment: The NM_003494.4: c.1053+1G>C variant in DYSF, which is also known as NM_001130987.2: c.1149+1G>C, occurs within the canonical splice donor site of intron 11 and is predicted to cause skipping of biologically relevant exon 11/55, resulting in a frameshift and premature truncation leading to nonsense mediated decay in a gene in which loss of function is an established disease mechanism (PVS1). This variant has been identified in one individual with features of LGMD, where it was observed in unknown phase with a likely pathogenic DYSF variant (NM_003494.4: c.4024C>T p.(Arg1342Trp), 0.25 pts, Jain Foundation Dysferlin Registry internal data communication) (PM3_Supporting not met). This patient had a clinical suspicion of LGMD and absent dysferlin protein expression in skeletal muscle, which is highly specific for DYSF-related LGMD (PP4_Strong). This variant is absent from gnomAD v4.1.0 (PM2_Supporting). Another nucleotide change affecting the same splice donor dinucleotide position and with the same predicted splice effect, NM_003494.4: c.1053+1G>A, is classified as pathogenic for autosomal recessive limb girdle muscular dystrophy by the ClinGen LGMD VCEP (PS1_Supporting). In summary, this variant meets the criteria to be classified as Pathogenic for autosomal recessive limb girdle muscular dystrophy based on the ACMG/AMP criteria applied, as specified by the ClinGen LGMD VCEP (LGMD VCEP specifications version 1.0.0; 04/17/2025): PVS1, PP4_Strong, PM2_Supporting, PS1_Supporting.

Fulgent Genetics
Classification: Likely pathogenic for Autosomal recessive limb-girdle muscular dystrophy type 2B; Miyoshi muscular dystrophy 1; Distal myopathy with anterior tibial onset. Last evaluated: 2024-05-21. Review status: criteria provided, single submitter. Criteria: ACMG Guidelines, 2015. Collection method: clinical testing. Allele origin: germline. Not counted in ClinVar's aggregate classification.

CeGaT Center for Human Genetics Tuebingen
Classification: Uncertain significance. Last evaluated: 2016-07-01. Review status: criteria provided, single submitter. Criteria: CeGaT Center For Human Genetics Tuebingen Variant Classification Criteria Version 2. Collection method: clinical testing. Allele origin: germline. Affected: yes. Observed: 1 variant allele. Not counted in ClinVar's aggregate classification.